The following is an entry in ClinVar:

NM_006019.4(TCIRG1):c.1461G>A (p.Trp487Ter)

Gene: TCIRG1 (T cell immune regulator 1, ATPase H+ transporting V0 subunit a3; plus strand). Cytogenetic location: 11q13.2.
Variant type: single nucleotide variant.
Coding change: c.1461G>A on transcript NM_006019.4 (MANE Select); coding-DNA position 1461, G replaced by A.
Protein change: p.Trp487Ter; replaces tryptophan 487 with a stop codon.
Molecular consequence: nonsense. On other transcripts: intron variant (2).
Genome position (GRCh38, 1-based): chr11:68,047,802, G>A. VCF-style: chr11-68047802-G-A. GRCh37 (hg19) VCF-style: chr11-67815269-G-A.
Other names: c.567G>A, p.Trp189Ter (NM_001351059.2); c.1461G>A, p.Trp487Ter (NM_001440552.1, NM_001440553.1, NM_001440554.1 and 2 more transcripts); c.1419G>A, p.Trp473Ter (NM_001440555.1, NM_001440556.1, NM_001440563.1); c.1248G>A, p.Trp416Ter (NM_001440559.1, NM_001440560.1, NM_001440561.1 and 2 more transcripts); c.1206G>A, p.Trp402Ter (NM_001440564.1); c.1161G>A, p.Trp387Ter (NM_001440565.1); c.993G>A, p.Trp331Ter (NM_001440568.1); c.813G>A, p.Trp271Ter (NM_006053.4); and 2 more; short protein forms W189*, W271*, W331*, W387*, W402*, W416*, W473*, W487*.
Identifiers: ClinVar variation 5012606 (VCV005012606.1).

ClinVar aggregate classification (germline): Pathogenic (1 of 4 stars; one submission).

Conditions:
Autosomal recessive osteopetrosis 1. Also called: ALBERS-SCHONBERG DISEASE, AUTOSOMAL RECESSIVE; TCIRG1-Related Autosomal Recessive Osteopetrosis; TCIRG1-Related Osteopetrosis. Identifiers: Orphanet 667, MedGen C1850127, MONDO:0009815, OMIM 259700.

Submission:

Myriad Genetics, Inc.
Classification: Pathogenic for Autosomal recessive osteopetrosis 1. Last evaluated: 2023-12-25. Review status: criteria provided, single submitter. Criteria: Myriad Autosomal Dominant, Autosomal Recessive and X-Linked Classification Criteria (2023). Collection method: clinical testing. Allele origin: unknown.
Comment: NM_006019.3(TCIRG1):c.1461G>A(W487*) is expected to be pathogenic in the context of autosomal recessive osteopetrosis type 1. This variant is predicted to lead to an abnormal or absent protein product due to the creation of a premature termination codon in TCIRG1, a gene where loss-of-function variants are known to be pathogenic. Please note: this variant was assessed in the context of healthy population screening.